The following is an entry in ClinVar:

NM_016589.4(TIMMDC1):c.232T>C (p.Cys78Arg)

Gene: TIMMDC1 (translocase of inner mitochondrial membrane domain containing 1; plus strand). Cytogenetic location: 3q13.33.
Variant type: single nucleotide variant.
Coding change: c.232T>C on transcript NM_016589.4 (MANE Select); coding-DNA position 232, T replaced by C.
Protein change: p.Cys78Arg; replaces cysteine 78 with arginine.
Molecular consequence: missense variant.
Genome position (GRCh38, 1-based): chr3:119,500,732, T>C. VCF-style: chr3-119500732-T-C. GRCh37 (hg19) VCF-style: chr3-119219579-T-C.
Other names: c.232T>C (NM_016589.3); short protein forms C78R.
Identifiers: ClinVar variation 1617951 (VCV001617951.11), dbSNP rs149492706, ClinGen allele CA2555175.

ClinVar aggregate classification (germline): Benign. Review status: criteria provided, multiple submitters, no conflicts (2 of 4 stars). 3 submissions from 3 submitters: Benign (2). 1 of the submissions does not count toward it. Last evaluated 2026-01-26.

Conditions:
TIMMDC1-related disorder. Also called: TIMMDC1-related condition.

Allele frequency attached by ClinVar (database versions not stated): TOPMed 0.00852; ESP Exome Variant Server 0.00877; gnomAD 0.00893 and 0.00983; gnomAD exomes 0.01073 and 0.01166; ExAC 0.01216; 1000 Genomes Project 30x 0.01312; 1000 Genomes Project 0.01378.
gnomAD v4.1: 17,203 of 1,614,060 alleles (1.1%); highest among the groups gnomAD compares: South Asian, 2.8%; 150 homozygotes.

Submissions (3):

Labcorp Genetics (formerly Invitae), Labcorp
Classification: Benign. Last evaluated: 2026-01-26. Review status: criteria provided, single submitter. Criteria: Invitae Variant Classification Sherloc (09022015). Collection method: clinical testing. Allele origin: germline.

Breakthrough Genomics
Classification: Benign. Review status: criteria provided, single submitter. Criteria: ACMG Guidelines, 2015. Collection method: not provided. Allele origin: germline. Inheritance: Autosomal recessive inheritance. Affected: yes.

PreventionGenetics, part of Exact Sciences
Classification: Benign for TIMMDC1-related condition. Last evaluated: 2019-11-11. Review status: no assertion criteria provided. Collection method: clinical testing. Allele origin: germline. Not counted in ClinVar's aggregate classification.
Comment: This variant is classified as benign based on ACMG/AMP sequence variant interpretation guidelines (Richards et al. 2015 PMID: 25741868, with internal and published modifications).